The following is an entry in ClinVar:

ClinVar aggregate classification (germline): Likely pathogenic (1 of 4 stars; one submission).

Conditions:
Axenfeld-Rieger syndrome type 3 (RIEG3). Also called: AXENFELD-RIEGER ANOMALY WITH CARDIAC DEFECTS AND/OR SENSORINEURAL HEARING LOSS. Identifiers: Orphanet 782, MedGen C2678503, MONDO:0011233, OMIM 602482.

Submission:

3billion
Classification: Likely pathogenic for Axenfeld-Rieger syndrome type 3. Last evaluated: 2022-05-22. Review status: criteria provided, single submitter. Criteria: ACMG Guidelines, 2015. Collection method: clinical testing. Allele origin: germline. Affected: yes. Observed: 1 heterozygote.
Comment: The variant is not observed in the gnomAD v2.1.1 dataset. Frameshift: predicted to result in a loss or disruption of normal protein function through protein truncation. The predicted truncated protein may be shortened by more than 10%. Multiple pathogenic variants are reported downstream of the variant. Therefore, this variant is classified as likely pathogenic according to the recommendation of ACMG/AMP guideline.

NM_001453.3(FOXC1):c.174del (p.Gly59fs)

Gene: FOXC1 (forkhead box C1; plus strand). Cytogenetic location: 6p25.3.
Variant type: Deletion.
Coding change: c.174del on transcript NM_001453.3 (MANE Select); coding-DNA position 174, one base deleted (C; older notation c.174delC).
Protein change: p.Gly59fs; shifts the reading frame from glycine 59.
Molecular consequence: frameshift variant.
Genome position (GRCh38, 1-based): chr6:1,610,619, C deleted. VCF-style (leftmost placement, unchanged base first): chr6-1610618-GC-G. GRCh37 (hg19) VCF-style: chr6-1610853-GC-G.
Other names: short protein forms G59fs.
Identifiers: ClinVar variation 1687396 (VCV001687396.1), dbSNP rs2113111101, ClinGen allele CA2573140131.